The following is an entry in ClinVar:

ClinVar aggregate classification (germline): Likely benign (1 of 4 stars; one submission).

Submission:

CeGaT Center for Human Genetics Tuebingen
Classification: Likely benign. Last evaluated: 2024-10-01. Review status: criteria provided, single submitter. Criteria: CeGaT Center For Human Genetics Tuebingen Variant Classification Criteria Version 2. Collection method: clinical testing. Allele origin: germline. Affected: yes. Observed: 1 variant allele.
Comment: KIAA1549: PM2:Supporting, BP4, BP7

NM_001164665.2(KIAA1549):c.2049G>A (p.Leu683=)

Gene: KIAA1549 (KIAA1549; minus strand). Cytogenetic location: 7q34.
Variant type: single nucleotide variant.
Coding change: c.2049G>A on transcript NM_001164665.2 (MANE Select); coding-DNA position 2049, G replaced by A.
Protein change: p.Leu683=; no amino-acid change (leucine 683 retained).
Molecular consequence: synonymous variant.
Genome position (GRCh38, 1-based): chr7:138,917,577, C>T on the plus strand (G>A on the coding strand, the complement: KIAA1549 is on the minus strand). VCF-style: chr7-138917577-C-T. GRCh37 (hg19) VCF-style: chr7-138602323-C-T.
Other names: c.2049G>A, p.Leu683= (NM_020910.3).
Identifiers: ClinVar variation 3389866 (VCV003389866.14).
Genomic context (GRCh38, chr7:138,917,577, plus strand): 5'-AGGCAGCTCGGAACTTGGCTGGAGCTGCGAAAACTCAAGATTTGTGGAACTGGGAAGAGA[C>T]AGCTGAGATGACTGCAGATCACTAGAGTCAAACAATGTAAATGTCTCAACCAAGGGAGAA-3'
Protein context (NP_001158137.1, residues 673-693): FDSSDLQSSQ[Leu683=]SLPSSTNLEF